The following is an entry in ClinVar:

ClinVar aggregate classification (germline): Uncertain significance (1 of 4 stars; one submission).

Submission:

Labcorp Genetics (formerly Invitae), Labcorp
Classification: Uncertain significance. Last evaluated: 2024-04-22. Review status: criteria provided, single submitter. Criteria: Invitae Variant Classification Sherloc (09022015). Collection method: clinical testing. Allele origin: germline.
Comment: This sequence change replaces proline, which is neutral and non-polar, with alanine, which is neutral and non-polar, at codon 1690 of the FOCAD protein (p.Pro1690Ala). This variant is not present in population databases (gnomAD no frequency). This variant has not been reported in the literature in individuals affected with FOCAD-related conditions. Experimental studies and prediction algorithms are not available or were not evaluated, and the functional significance of this variant is currently unknown. In summary, the available evidence is currently insufficient to determine the role of this variant in disease. Therefore, it has been classified as a Variant of Uncertain Significance.

NM_001375567.1(FOCAD):c.5068C>G (p.Pro1690Ala)

Gene: FOCAD (focadhesin; plus strand). Cytogenetic location: 9p21.3.
Variant type: single nucleotide variant.
Coding change: c.5068C>G on transcript NM_001375567.1 (MANE Select); coding-DNA position 5068, C replaced by G.
Protein change: p.Pro1690Ala; replaces proline 1690 with alanine.
Molecular consequence: missense variant.
Genome position (GRCh38, 1-based): chr9:20,990,186, C>G. VCF-style: chr9-20990186-C-G. GRCh37 (hg19) VCF-style: chr9-20990185-C-G.
Other names: c.4963C>G, p.Pro1655Ala (NM_001375568.1, NM_001375570.1); c.5068C>G, p.Pro1690Ala (NM_017794.5); short protein forms P1690A, P1655A.
Identifiers: ClinVar variation 3650509 (VCV003650509.2).